The following is an entry in ClinVar:

ClinVar aggregate classification (germline): Uncertain significance. Review status: criteria provided, multiple submitters, no conflicts (2 of 4 stars). 2 submissions from 2 submitters: Uncertain significance (2). Last evaluated 2026-03-20.

Conditions:
Hereditary cancer-predisposing syndrome. Also called: Neoplastic Syndromes, Hereditary; Tumor predisposition; Hereditary Cancer Syndrome; Hereditary neoplastic syndrome. Identifiers: Orphanet 140162, MedGen C0027672, MeSH D009386, MONDO:0015356.
Familial adenomatous polyposis 2. Also called: FAP type 2; MUTYH Polyposis; COLORECTAL ADENOMATOUS POLYPOSIS, AUTOSOMAL RECESSIVE; MYH-associated polyposis; Adenomas, multiple colorectal; ADENOMAS, MULTIPLE COLORECTAL, AUTOSOMAL RECESSIVE. Identifiers: Orphanet 220460, Orphanet 247798, MedGen C3272841, MONDO:0012041, OMIM 608456.

Allele frequency attached by ClinVar (database versions not stated): ExAC 0.00001; gnomAD 0.00001; 1000 Genomes Project 30x 0.00031; 1000 Genomes Project 0.00020.
gnomAD v4.1: 2 of 1,614,258 alleles (0.00012%); highest among the groups gnomAD compares: East Asian, 0.0022%; no homozygotes.

Submissions (2):

Ambry Genetics
Classification: Uncertain significance for Hereditary cancer-predisposing syndrome. Last evaluated: 2026-03-20. Review status: criteria provided, single submitter. Criteria: Ambry Variant Classification Scheme 2023. Collection method: clinical testing. Allele origin: germline.
Comment: The c.349-3C>G intronic variant results from a C to G substitution 3 nucleotides upstream from coding exon 4 in the MUTYH gene. This nucleotide position is well conserved in available vertebrate species. In silico splice site analysis predicts that this alteration will weaken the native splice acceptor site; however, direct evidence is insufficient at this time (Ambry internal data). Based on the available evidence, the clinical significance of this variant remains unclear.

Labcorp Genetics (formerly Invitae), Labcorp
Classification: Uncertain significance for Familial adenomatous polyposis 2. Last evaluated: 2022-06-15. Review status: criteria provided, single submitter. Criteria: Invitae Variant Classification Sherloc (09022015). Collection method: clinical testing. Allele origin: germline.
Comment: This variant has not been reported in the literature in individuals affected with MUTYH-related conditions. This variant is present in population databases (rs534010336, gnomAD 0.007%). This sequence change falls in intron 3 of the MUTYH gene. It does not directly change the encoded amino acid sequence of the MUTYH protein. It affects a nucleotide within the consensus splice site. Variants that disrupt the consensus splice site are a relatively common cause of aberrant splicing (PMID: 17576681, 9536098). Algorithms developed to predict the effect of sequence changes on RNA splicing suggest that this variant may disrupt the consensus splice site. In summary, the available evidence is currently insufficient to determine the role of this variant in disease. Therefore, it has been classified as a Variant of Uncertain Significance.

Literature cited by the submitters: PubMed 17576681 (cited by Labcorp Genetics (formerly Invitae), Labcorp); PubMed 9536098 (cited by Labcorp Genetics (formerly Invitae), Labcorp).

NM_001048174.2(MUTYH):c.265-3C>G

Gene: MUTYH (mutY DNA glycosylase; minus strand). Cytogenetic location: 1p34.1.
Variant type: single nucleotide variant.
Coding change: c.265-3C>G on transcript NM_001048174.2 (MANE Select); 3 bases into the intron before coding-DNA position 265, C replaced by G.
Molecular consequence: intron variant.
Genome position (GRCh38, 1-based): chr1:45,333,327, G>C on the plus strand (C>G on the coding strand, the complement: MUTYH is on the minus strand). VCF-style: chr1-45333327-G-C. GRCh37 (hg19) VCF-style: chr1-45798999-G-C.
Other names: c.349-3C>G (NM_001128425.1, NM_001128425.2); c.-7-3C>G (NM_001350651.2, NM_001350650.2); c.-12-3C>G (NM_001293192.2, NM_001293196.2); c.265-3C>G (NM_001048171.2, NM_001048173.2, NM_001293195.2); c.310-3C>G (NM_001293190.2); c.340-3C>G (NM_012222.3); c.268-3C>G (NM_001048172.2); c.298-3C>G (NM_001293191.2).
Identifiers: ClinVar variation 2023700 (VCV002023700.5), dbSNP rs534010336, ClinGen allele CA057500.